The following is an entry in ClinVar:

NM_020245.5(TULP4):c.2425C>A (p.Pro809Thr)

Gene: TULP4 (TUB like protein 4; plus strand). Cytogenetic location: 6q25.3.
Variant type: single nucleotide variant.
Coding change: c.2425C>A on transcript NM_020245.5 (MANE Select); coding-DNA position 2425, C replaced by A.
Protein change: p.Pro809Thr; replaces proline 809 with threonine.
Molecular consequence: missense variant. On other transcripts: intron variant (1).
Genome position (GRCh38, 1-based): chr6:158,502,088, C>A. VCF-style: chr6-158502088-C-A. GRCh37 (hg19) VCF-style: chr6-158923120-C-A.
Other names: c.2014+3276C>A (NM_001007466.3); short protein forms P809T.
Identifiers: ClinVar variation 2657089 (VCV002657089.24), dbSNP rs138229082, ClinGen allele CA4072306.
Genomic context (GRCh38, chr6:158,502,088, plus strand): 5'-GGCCATGGAGACCGAGACCACGAACACCTGCAGAAGTCAGCCAAGGCCCTGCGGCCAACA[C>A]CGCAGCTGGCAGCTGAGGGGGACGCAGTGGTCTTTAGTGCCCCCCAGGAGGTCCAGGTGA-3'
Protein context (NP_064630.2, residues 799-819): QKSAKALRPT[Pro809Thr]QLAAEGDAVV

ClinVar aggregate classification (germline): Likely benign (1 of 4 stars; one submission).

Allele frequency attached by ClinVar (database versions not stated): 1000 Genomes Project 0.00220; 1000 Genomes Project 30x 0.00234; ESP Exome Variant Server 0.00308; gnomAD 0.00396; TOPMed 0.00418; ExAC 0.00438.
gnomAD v4.1: 6,131 of 1,611,848 alleles (0.38%); highest among the groups gnomAD compares: Middle Eastern, 1.8%; 27 homozygotes.

Submission:

CeGaT Center for Human Genetics Tuebingen
Classification: Likely benign. Last evaluated: 2023-04-01. Review status: criteria provided, single submitter. Criteria: CeGaT Center For Human Genetics Tuebingen Variant Classification Criteria Version 2. Collection method: clinical testing. Allele origin: germline. Affected: yes. Observed: 1 variant allele.
Comment: TULP4: BP4, BS2